The following is an entry in ClinVar:

ClinVar aggregate classification (germline): Benign/Likely benign. Review status: criteria provided, multiple submitters, no conflicts (2 of 4 stars). 5 submissions from 5 submitters: Benign (1); Likely benign (3). 1 of the submissions does not count toward it. Last evaluated 2026-01-26.

Conditions:
RAB18-related disorder. Also called: RAB18-related condition.

Allele frequency attached by ClinVar (database versions not stated): gnomAD exomes 0.00012 and 0.00033; ExAC 0.00036; ESP Exome Variant Server 0.00085; gnomAD 0.00122 and 0.00138; TOPMed 0.00153; 1000 Genomes Project 0.00200; 1000 Genomes Project 30x 0.00203.
gnomAD v4.1: 381 of 1,613,190 alleles (0.024%); highest among the groups gnomAD compares: African/African-American, 0.43%; 1 homozygote.

Submissions (5):

Labcorp Genetics (formerly Invitae), Labcorp
Classification: Benign. Last evaluated: 2026-01-26. Review status: criteria provided, single submitter. Criteria: Invitae Variant Classification Sherloc (09022015). Collection method: clinical testing. Allele origin: germline.

Blueprint Genetics
Classification: Likely benign. Last evaluated: 2024-09-02. Review status: criteria provided, single submitter. Criteria: ACMG Guidelines, 2015. Collection method: clinical testing. Allele origin: germline.

GeneDx
Classification: Likely benign. Last evaluated: 2019-09-06. Review status: criteria provided, single submitter. Criteria: GeneDx Variant Classification Process June 2021. Collection method: clinical testing. Allele origin: germline. Affected: yes.

Genetic Services Laboratory, University of Chicago
Classification: Likely benign for AllHighlyPenetrant. Last evaluated: 2013-12-30. Review status: criteria provided, single submitter. Criteria: ACMG Guidelines, 2007. Collection method: clinical testing. Allele origin: germline. Inheritance: Autosomal recessive inheritance.

PreventionGenetics, part of Exact Sciences
Classification: Likely benign for RAB18-related condition. Last evaluated: 2022-02-17. Review status: no assertion criteria provided. Collection method: clinical testing. Allele origin: germline. Not counted in ClinVar's aggregate classification.
Comment: This variant is classified as likely benign based on ACMG/AMP sequence variant interpretation guidelines (Richards et al. 2015 PMID: 25741868, with internal and published modifications).

NM_021252.5(RAB18):c.264T>C (p.Tyr88=)

Gene: RAB18 (RAB18, member RAS oncogene family; plus strand). Cytogenetic location: 10p12.1.
Variant type: single nucleotide variant.
Coding change: c.264T>C on transcript NM_021252.5 (MANE Select); coding-DNA position 264, T replaced by C.
Protein change: p.Tyr88=; no amino-acid change (tyrosine 88 retained).
Molecular consequence: synonymous variant. On other transcripts: non-coding transcript variant (1), intron variant (1).
Genome position (GRCh38, 1-based): chr10:27,533,739, T>C. VCF-style: chr10-27533739-T-C. GRCh37 (hg19) VCF-style: chr10-27822668-T-C.
Other names: c.351T>C, p.Tyr117= (NM_001256410.2); c.264T>C, p.Tyr88= (NM_001256411.2); c.187-189T>C (NM_001256412.2); c.351T>C (NM_001256410.1).
Identifiers: ClinVar variation 130058 (VCV000130058.18), dbSNP rs146846414, ClinGen allele CA154821.
Genomic context (GRCh38, chr10:27,533,739, plus strand): 5'-TACGCCATTGCTTCTTTCTTTAATGCTTATTTAACAAATGACTCCTTTTATTTCAGTTTA[T>C]GATGTCACAAGAAGAGATACATTTGTTAAACTGGATAATTGGTTAAATGAATTGGAAACA-3'
Protein context (NP_067075.1, residues 78-98): YRGAQGVILV[Tyr88=]DVTRRDTFVK